The following is an entry in ClinVar:

NM_001348768.2(HECW2):c.1205C>T (p.Thr402Met)

Gene: HECW2 (HECT, C2 and WW domain containing E3 ubiquitin protein ligase 2; minus strand). Cytogenetic location: 2q32.3.
Variant type: single nucleotide variant.
Coding change: c.1205C>T on transcript NM_001348768.2 (MANE Select); coding-DNA position 1205, C replaced by T.
Protein change: p.Thr402Met; replaces threonine 402 with methionine.
Molecular consequence: missense variant.
Genome position (GRCh38, 1-based): chr2:196,319,685, G>A on the plus strand (C>T on the coding strand, the complement: HECW2 is on the minus strand). VCF-style: chr2-196319685-G-A. GRCh37 (hg19) VCF-style: chr2-197184409-G-A.
Other names: c.137C>T, p.Thr46Met (NM_001304840.3); c.1205C>T, p.Thr402Met (NM_020760.4); short protein forms T402M, T46M.
Identifiers: ClinVar variation 2082905 (VCV002082905.28), dbSNP rs367651505, ClinGen allele CA2038367.

ClinVar aggregate classification (germline): Likely benign. Review status: criteria provided, multiple submitters, no conflicts (2 of 4 stars). 3 submissions from 3 submitters: Likely benign (3). Last evaluated 2023-04-01.

Conditions:
Inborn genetic diseases. Identifiers: MedGen C0950123, MeSH D030342.

Allele frequency attached by ClinVar (database versions not stated): ExAC 0.00011; gnomAD exomes 0.00012; ESP Exome Variant Server 0.00015; gnomAD 0.00015; 1000 Genomes Project 30x 0.00016; TOPMed 0.00019.
gnomAD v4.1: 199 of 1,614,188 alleles (0.012%); highest among the groups gnomAD compares: Admixed American, 0.045%; no homozygotes.

Submissions (3):

CeGaT Center for Human Genetics Tuebingen
Classification: Likely benign. Last evaluated: 2023-04-01. Review status: criteria provided, single submitter. Criteria: CeGaT Center For Human Genetics Tuebingen Variant Classification Criteria Version 2. Collection method: clinical testing. Allele origin: germline. Affected: yes. Observed: 1 variant allele.
Comment: HECW2: PP2, BP4, BS2

Ambry Genetics
Classification: Likely benign for Inborn genetic diseases. Last evaluated: 2021-12-13. Review status: criteria provided, single submitter. Criteria: Ambry Variant Classification Scheme 2023. Collection method: clinical testing. Allele origin: germline.

Labcorp Genetics (formerly Invitae), Labcorp
Classification: Likely benign. Last evaluated: 2020-07-09. Review status: criteria provided, single submitter. Criteria: Invitae Variant Classification Sherloc (09022015). Collection method: clinical testing. Allele origin: germline.